The following is an entry in ClinVar:

ClinVar aggregate classification (germline): Uncertain significance. Review status: criteria provided, multiple submitters, no conflicts (2 of 4 stars). 2 submissions from 2 submitters: Uncertain significance (2). Last evaluated 2022-11-15.

Conditions:
Hereditary cancer-predisposing syndrome. Also called: Tumor predisposition; Neoplastic Syndromes, Hereditary; Hereditary neoplastic syndrome; Hereditary Cancer Syndrome. Identifiers: Orphanet 140162, MedGen C0027672, MeSH D009386, MONDO:0015356.
Ataxia-telangiectasia syndrome (AT). Also called: Ataxia-telangiectasia, complementation group D; AT, COMPLEMENTATION GROUP C; ATAXIA-TELANGIECTASIA, COMPLEMENTATION GROUP A; ATAXIA-TELANGIECTASIA, FRESNO VARIANT; Ataxia-telangiectasia; Ataxia telangiectasia (A-T). Identifiers: Orphanet 100, MedGen C0004135, MONDO:0008840, OMIM 208900.

Submissions (2):

Ambry Genetics
Classification: Uncertain significance for Hereditary cancer-predisposing syndrome. Last evaluated: 2022-11-15. Review status: criteria provided, single submitter. Criteria: Ambry Variant Classification Scheme 2023. Collection method: clinical testing. Allele origin: germline.
Comment: The p.E2037G variant (also known as c.6110A>G), located in coding exon 41 of the ATM gene, results from an A to G substitution at nucleotide position 6110. The glutamic acid at codon 2037 is replaced by glycine, an amino acid with similar properties. This amino acid position is highly conserved in available vertebrate species. In addition, the in silico prediction for this alteration is inconclusive. Since supporting evidence is limited at this time, the clinical significance of this alteration remains unclear.

Labcorp Genetics (formerly Invitae), Labcorp
Classification: Uncertain significance for Ataxia-telangiectasia syndrome. Last evaluated: 2022-01-28. Review status: criteria provided, single submitter. Criteria: Invitae Variant Classification Sherloc (09022015). Collection method: clinical testing. Allele origin: germline.
Comment: ClinVar contains an entry for this variant (Variation ID: 941128). This sequence change replaces glutamic acid, which is acidic and polar, with glycine, which is neutral and non-polar, at codon 2037 of the ATM protein (p.Glu2037Gly). This variant is not present in population databases (gnomAD no frequency). This variant has not been reported in the literature in individuals affected with ATM-related conditions. Advanced modeling of protein sequence and biophysical properties (such as structural, functional, and spatial information, amino acid conservation, physicochemical variation, residue mobility, and thermodynamic stability) performed at Invitae indicates that this missense variant is not expected to disrupt ATM protein function. In summary, the available evidence is currently insufficient to determine the role of this variant in disease. Therefore, it has been classified as a Variant of Uncertain Significance.

NM_000051.4(ATM):c.6110A>G (p.Glu2037Gly)

Genes: ATM (ATM serine/threonine kinase; plus strand), C11orf65 (chromosome 11 open reading frame 65; minus strand). Cytogenetic location: 11q22.3.
Variant type: single nucleotide variant.
Coding change: c.6110A>G on transcript NM_000051.4 (MANE Select); coding-DNA position 6110, A replaced by G.
Protein change: p.Glu2037Gly; replaces glutamic acid 2037 with glycine.
Molecular consequence: missense variant. On other transcripts: intron variant (2).
Genome position (GRCh38, 1-based): chr11:108,316,025, A>G. VCF-style: chr11-108316025-A-G. GRCh37 (hg19) VCF-style: chr11-108186752-A-G.
Other names: c.6110A>G, p.Glu2037Gly (NM_001351834.2); c.641-6954T>C (NM_001330368.2); c.*39-6954T>C (NM_001351110.2); short protein forms E2037G.
Identifiers: ClinVar variation 941128 (VCV000941128.11), dbSNP rs2084612043, ClinGen allele CA382550358.